The following is an entry in ClinVar:

ClinVar aggregate classification (germline): Uncertain significance (1 of 4 stars; one submission).

Conditions:
Long QT syndrome (LQTS). Identifiers: MedGen C0023976, MeSH D008133, MONDO:0002442. Disease mechanism: loss of function. Inheritance: Various modes of inheritance.

Allele frequency attached by ClinVar (database versions not stated): gnomAD exomes 0.00001.
gnomAD v4.1: 9 of 1,613,452 alleles (0.00056%); highest among the groups gnomAD compares: Non-Finnish European, 0.00076%; no homozygotes.

Submission:

Labcorp Genetics (formerly Invitae), Labcorp
Classification: Uncertain significance for Long QT syndrome. Last evaluated: 2022-04-05. Review status: criteria provided, single submitter. Criteria: Invitae Variant Classification Sherloc (09022015). Collection method: clinical testing. Allele origin: germline.
Comment: This sequence change replaces threonine, which is neutral and polar, with alanine, which is neutral and non-polar, at codon 208 of the AKAP9 protein (p.Thr208Ala). This variant is not present in population databases (gnomAD no frequency). This variant has not been reported in the literature in individuals affected with AKAP9-related conditions. Algorithms developed to predict the effect of missense changes on protein structure and function are either unavailable or do not agree on the potential impact of this missense change (SIFT: "Deleterious"; PolyPhen-2: "Probably Damaging"; Align-GVGD: "Class C0"). In summary, the available evidence is currently insufficient to determine the role of this variant in disease. Therefore, it has been classified as a Variant of Uncertain Significance.

NM_005751.5(AKAP9):c.622A>G (p.Thr208Ala)

Gene: AKAP9 (A-kinase anchoring protein 9; plus strand). Cytogenetic location: 7q21.2.
Variant type: single nucleotide variant.
Coding change: c.622A>G on transcript NM_005751.5 (MANE Select); coding-DNA position 622, A replaced by G.
Protein change: p.Thr208Ala; replaces threonine 208 with alanine.
Molecular consequence: missense variant.
Genome position (GRCh38, 1-based): chr7:91,994,666, A>G. VCF-style: chr7-91994666-A-G. GRCh37 (hg19) VCF-style: chr7-91623980-A-G.
Other names: c.622A>G, p.Thr208Ala (NM_147185.3); short protein forms T208A.
Identifiers: ClinVar variation 2164826 (VCV002164826.4), dbSNP rs2484671288, ClinGen allele CA368119823.